The following is an entry in ClinVar:

NM_006379.5(SEMA3C):c.1651C>A (p.Arg551=)

Gene: SEMA3C (semaphorin 3C; minus strand). Cytogenetic location: 7q21.11.
Variant type: single nucleotide variant.
Coding change: c.1651C>A on transcript NM_006379.5 (MANE Select); coding-DNA position 1651, C replaced by A.
Protein change: p.Arg551=; no amino-acid change (arginine 551 retained).
Molecular consequence: synonymous variant.
Genome position (GRCh38, 1-based): chr7:80,751,329, G>T on the plus strand (C>A on the coding strand, the complement: SEMA3C is on the minus strand). VCF-style: chr7-80751329-G-T. GRCh37 (hg19) VCF-style: chr7-80380645-G-T.
Other names: c.1705C>A, p.Arg569= (NM_001350120.2); c.1477C>A, p.Arg493= (NM_001350121.2).
Identifiers: ClinVar variation 3054600 (VCV003054600.2), dbSNP rs138526129, ClinGen allele CA4316019.
Genomic context (GRCh38, chr7:80,751,329, plus strand): 5'-CTTTTAGATTAAATCCTCTGCATTGAGTCAGTGGGTTTCCATGTCTCACATCTTGTCTTC[G>T]GCTCCTCCTGCAAGTGCAGAAATACATAAAAGTGACTGAGAATTATCACTGCCAATTACA-3'
Protein context (NP_006370.1, residues 541-561): RFYPTGKRRS[Arg551=]RQDVRHGNPL

ClinVar aggregate classification (germline): Likely benign (0 of 4 stars; one submission).

Conditions:
SEMA3C-related disorder. Also called: SEMA3C-related condition.

Allele frequency attached by ClinVar (database versions not stated): ESP Exome Variant Server 0.00008.
gnomAD v4.1: 62 of 1,613,410 alleles (0.0038%); highest among the groups gnomAD compares: Non-Finnish European, 0.0051%; no homozygotes.

Submission:

PreventionGenetics, part of Exact Sciences
Classification: Likely benign for SEMA3C-related condition. Last evaluated: 2023-05-04. Review status: no assertion criteria provided. Collection method: clinical testing. Allele origin: germline.
Comment: This variant is classified as likely benign based on ACMG/AMP sequence variant interpretation guidelines (Richards et al. 2015 PMID: 25741868, with internal and published modifications).